The following is an entry in ClinVar:

ClinVar aggregate classification (germline): Benign. Review status: criteria provided, multiple submitters, no conflicts (2 of 4 stars). 4 submissions from 3 submitters: Benign (4). Last evaluated 2018-06-23.

Conditions:
Autosomal dominant nonsyndromic hearing loss 6 (LFSNHL). Also called: DEAFNESS, AUTOSOMAL DOMINANT 6; DEAFNESS, AUTOSOMAL DOMINANT 14; DEAFNESS, AUTOSOMAL DOMINANT 38; Autosomal dominant nonsyndromic deafness 6; DIDMOAD (Diabetes Insipidus, Diabetes Mellitus, Optic Atrophy, and Deafness). Identifiers: Orphanet 90635, MedGen C1833021, MONDO:0010963, OMIM 600965.
WFS1-Related Spectrum Disorders.

Allele frequency attached by ClinVar (database versions not stated): gnomAD 0.54693; TOPMed 0.54948; 1000 Genomes Project 30x 0.59963; gnomAD exomes 0.60107; 1000 Genomes Project 0.60663.
gnomAD v4.1: 690,969 of 1,162,182 alleles (59%); highest among the groups gnomAD compares: East Asian, 93%; 209,854 homozygotes.

Submissions (4):

GeneDx
Classification: Benign. Last evaluated: 2018-06-23. Review status: criteria provided, single submitter. Criteria: GeneDx Variant Classification Process June 2021. Collection method: clinical testing. Allele origin: germline. Affected: yes.

Illumina Laboratory Services, Illumina
Classification: Benign for Autosomal dominant nonsyndromic hearing loss 6. Last evaluated: 2018-01-13. Review status: criteria provided, single submitter. Criteria: ICSL Variant Classification Criteria 13 December 2019. Collection method: clinical testing. Allele origin: germline.
Comment: This variant was observed in the ICSL laboratory as part of a predisposition screen in an ostensibly healthy population. It had not been previously curated by ICSL or reported in the Human Gene Mutation Database (HGMD: prior to June 1st, 2018), and was therefore a candidate for classification through an automated scoring system. Utilizing variant allele frequency, disease prevalence and penetrance estimates, and inheritance mode, an automated score was calculated to assess if this variant is too frequent to cause the disease. Based on the score and internal cut-off values, a variant classified as benign is not then subjected to further curation. The score for this variant resulted in a classification of benign for this disease.

Illumina Laboratory Services, Illumina
Classification: Benign for WFS1-Related Spectrum Disorders. Last evaluated: 2018-01-13. Review status: criteria provided, single submitter. Criteria: ICSL Variant Classification Criteria 13 December 2019. Collection method: clinical testing. Allele origin: germline.
Comment: the same text as in the submission from Illumina Laboratory Services, Illumina above.

Breakthrough Genomics
Classification: Benign. Review status: criteria provided, single submitter. Criteria: ACMG Guidelines, 2015. Collection method: not provided. Allele origin: germline. Inheritance: Autosomal recessive inheritance. Affected: yes.

NM_006005.3(WFS1):c.*149G>A

Gene: WFS1 (wolframin ER transmembrane glycoprotein; plus strand). Cytogenetic location: 4p16.1.
Variant type: single nucleotide variant.
Coding change: c.*149G>A on transcript NM_006005.3 (MANE Select); 149 bases downstream of the stop codon, G replaced by A.
Molecular consequence: 3 prime UTR variant.
Genome position (GRCh38, 1-based): chr4:6,302,617, G>A. VCF-style: chr4-6302617-G-A. GRCh37 (hg19) VCF-style: chr4-6304344-G-A.
Other names: c.*149G>A (NM_001145853.1).
Identifiers: ClinVar variation 349337 (VCV000349337.7), dbSNP rs1046320, ClinGen allele CA10618112.